The following is an entry in ClinVar:

ClinVar aggregate classification (germline): Likely benign (1 of 4 stars; one submission).

Submission:

GeneDx
Classification: Likely benign. Last evaluated: 2017-06-21. Review status: criteria provided, single submitter. Criteria: GeneDx Variant Classification (06012015). Collection method: clinical testing. Allele origin: germline. Affected: yes.
Comment: This variant is considered likely benign or benign based on one or more of the following criteria: it is a conservative change, it occurs at a poorly conserved position in the protein, it is predicted to be benign by multiple in silico algorithms, and/or has population frequency not consistent with disease.

NM_004655.4(AXIN2):c.-8C>T

Gene: AXIN2 (axin 2; minus strand). Cytogenetic location: 17q24.1.
Variant type: single nucleotide variant.
Coding change: c.-8C>T on transcript NM_004655.4 (MANE Select); 8 bases upstream of the start codon, C replaced by T.
Molecular consequence: 5 prime UTR variant.
Genome position (GRCh38, 1-based): chr17:65,558,628, G>A on the plus strand (C>T on the coding strand, the complement: AXIN2 is on the minus strand). VCF-style: chr17-65558628-G-A. GRCh37 (hg19) VCF-style: chr17-63554746-G-A.
Other names: c.-8C>T (LRG_296t1, NM_001363813.1).
Identifiers: ClinVar variation 510486 (VCV000510486.1), dbSNP rs1555583822, ClinGen allele CA658798948.